The following is an entry in ClinVar:

NM_024306.5(FA2H):c.33C>A (p.Phe11Leu)

Genes: FA2H (fatty acid 2-hydroxylase; minus strand), LOC130059394 (ATAC-STARR-seq lymphoblastoid silent region 7701; plus strand). Cytogenetic location: 16q23.1.
Variant type: single nucleotide variant.
Coding change: c.33C>A on transcript NM_024306.5 (MANE Select); coding-DNA position 33, C replaced by A.
Protein change: p.Phe11Leu; replaces phenylalanine 11 with leucine.
Molecular consequence: missense variant.
Genome position (GRCh38, 1-based): chr16:74,774,723, G>T on the plus strand (C>A on the coding strand, the complement: FA2H is on the minus strand). VCF-style: chr16-74774723-G-T. GRCh37 (hg19) VCF-style: chr16-74808621-G-T.
Other names: p.Phe11Leu; short protein forms F11L.
Identifiers: ClinVar variation 4542045 (VCV004542045.1).

ClinVar aggregate classification (germline): Uncertain significance (1 of 4 stars; one submission).

gnomAD v4.1: 21 of 1,334,460 alleles (0.0016%); highest among the groups gnomAD compares: African/African-American, 0.032%; no homozygotes.

Submission:

Mayo Clinic Laboratories, Mayo Clinic
Classification: Uncertain significance. Last evaluated: 2025-09-13. Review status: criteria provided, single submitter. Criteria: ACMG Guidelines, 2015. Collection method: clinical testing. Allele origin: germline. Observed: 3 variant alleles.
Comment: PM2_supporting